The following is an entry in ClinVar:

ClinVar aggregate classification (germline): Pathogenic (1 of 4 stars; one submission).

Conditions:
Sialuria. Also called: Sialic Acid Storage Disease; SIALURIA, FRENCH TYPE. Identifiers: Orphanet 3166, MedGen C0342853, MONDO:0010028, OMIM 269921.
GNE myopathy (NM). Also called: IBM 2; Inclusion body myopathy autosomal recessive; Inclusion body myopathy quadriceps sparing; MYOPATHY, DISTAL, WITH OR WITHOUT RIMMED VACUOLES; NONAKA DISTAL MYOPATHY; INCLUSION BODY MYOPATHY, HEREDITARY, AUTOSOMAL RECESSIVE. Identifiers: Orphanet 602, MedGen C1853926, MONDO:0011603, OMIM 605820.

Submission:

Labcorp Genetics (formerly Invitae), Labcorp
Classification: Pathogenic for Sialuria; GNE myopathy. Last evaluated: 2022-09-01. Review status: criteria provided, single submitter. Criteria: Invitae Variant Classification Sherloc (09022015). Collection method: clinical testing. Allele origin: germline.
Comment: For these reasons, this variant has been classified as Pathogenic. This variant has not been reported in the literature in individuals affected with GNE-related conditions. This variant is a gross deletion of the genomic region encompassing exon(s) 1-7 of the GNE gene, which includes the initiator codon. This deletion extends beyond the assayed region for this gene and therefore may encompass additional genes. It is expected to result in an absent or disrupted protein product. Loss-of-function variants in GNE are known to be pathogenic (PMID: 24027297).

Literature cited by the submitters: PubMed 24027297.

NC_000009.11:g.(?_36227225)_(36276941_?)del

Gene: GNE (glucosamine (UDP-N-acetyl)-2-epimerase/N-acetylmannosamine kinase; minus strand). Cytogenetic location: 9p13.3.
Variant type: Deletion.
Identifiers: ClinVar variation 2423768 (VCV002423768.4).